The following is an entry in ClinVar:

ClinVar aggregate classification (germline): Likely benign (0 of 4 stars; one submission).

Conditions:
COL25A1-related disorder. Also called: COL25A1-related condition.

gnomAD v4.1: 210 of 1,613,272 alleles (0.013%); highest among the groups gnomAD compares: Admixed American, 0.34%; no homozygotes.

Submission:

PreventionGenetics, part of Exact Sciences
Classification: Likely benign for COL25A1-related condition. Last evaluated: 2024-06-12. Review status: no assertion criteria provided. Collection method: clinical testing. Allele origin: germline.
Comment: This variant is classified as likely benign based on ACMG/AMP sequence variant interpretation guidelines (Richards et al. 2015 PMID: 25741868, with internal and published modifications).

NM_198721.4(COL25A1):c.1949G>A (p.Gly650Asp)

Gene: COL25A1 (collagen type XXV alpha 1 chain; minus strand). Cytogenetic location: 4q25.
Variant type: single nucleotide variant.
Coding change: c.1949G>A on transcript NM_198721.4 (MANE Select); coding-DNA position 1949, G replaced by A.
Protein change: p.Gly650Asp; replaces glycine 650 with aspartic acid.
Molecular consequence: missense variant. On other transcripts: non-coding transcript variant (1).
Genome position (GRCh38, 1-based): chr4:108,817,410, C>T on the plus strand (G>A on the coding strand, the complement: COL25A1 is on the minus strand). VCF-style: chr4-108817410-C-T. GRCh37 (hg19) VCF-style: chr4-109738566-C-T.
Other names: short protein forms G650D.
Identifiers: ClinVar variation 3354196 (VCV003354196.1).